The following is an entry in ClinVar:

NM_001367721.1(CASK):c.1463T>G (p.Val488Gly)

Gene: CASK (calcium/calmodulin dependent serine protein kinase; minus strand). Cytogenetic location: Xp11.4.
Variant type: single nucleotide variant.
Coding change: c.1463T>G on transcript NM_001367721.1 (MANE Select); coding-DNA position 1463, T replaced by G.
Protein change: p.Val488Gly; replaces valine 488 with glycine.
Molecular consequence: missense variant.
Genome position (GRCh38, 1-based): chrX:41,578,380, A>C on the plus strand (T>G on the coding strand, the complement: CASK is on the minus strand). VCF-style: chrX-41578380-A-C. GRCh37 (hg19) VCF-style: chrX-41437633-A-C.
Other names: c.1463T>G, p.Val488Gly (NM_001126054.3, NM_003688.4); c.1445T>G, p.Val482Gly (NM_001126055.3, NM_001410745.1); short protein forms V482G, V488G.
Identifiers: ClinVar variation 3767439 (VCV003767439.1).

ClinVar aggregate classification (germline): Uncertain significance (1 of 4 stars; one submission).

Submission:

GeneDx
Classification: Uncertain significance. Last evaluated: 2024-09-05. Review status: criteria provided, single submitter. Criteria: GeneDx Variant Classification Process June 2021. Collection method: clinical testing. Allele origin: germline. Affected: yes.
Comment: Not observed at significant frequency in large population cohorts (gnomAD); In silico analysis supports that this missense variant has a deleterious effect on protein structure/function; Has not been previously published as pathogenic or benign to our knowledge